The following is an entry in ClinVar:

NM_016038.4(SBDS):c.318G>C (p.Gln106His)

Gene: SBDS (SBDS ribosome maturation factor; minus strand). Cytogenetic location: 7q11.21.
Variant type: single nucleotide variant.
Coding change: c.318G>C on transcript NM_016038.4 (MANE Select); coding-DNA position 318, G replaced by C.
Protein change: p.Gln106His; replaces glutamine 106 with histidine.
Molecular consequence: missense variant.
Genome position (GRCh38, 1-based): chr7:66,993,358, C>G on the plus strand (G>C on the coding strand, the complement: SBDS is on the minus strand). VCF-style: chr7-66993358-C-G. GRCh37 (hg19) VCF-style: chr7-66458345-C-G.
Other names: short protein forms Q106H.
Identifiers: ClinVar variation 4159793 (VCV004159793.1).

ClinVar aggregate classification (germline): Uncertain significance (1 of 4 stars; one submission).

Conditions:
Inborn genetic diseases. Identifiers: MedGen C0950123, MeSH D030342.

gnomAD v4.1: 1 of 1,614,008 alleles (0.000062%); highest among the groups gnomAD compares: East Asian, 0.0022%; no homozygotes.

Submission:

Ambry Genetics
Classification: Uncertain significance for Inborn genetic diseases. Last evaluated: 2025-06-16. Review status: criteria provided, single submitter. Criteria: Ambry Variant Classification Scheme 2023. Collection method: clinical testing. Allele origin: germline.
Comment: The p.Q106H variant (also known as c.318G>C), located in coding exon 3 of the SBDS gene, results from a G to C substitution at nucleotide position 318. The glutamine at codon 106 is replaced by histidine, an amino acid with highly similar properties. This amino acid position is conserved. In addition, the in silico prediction for this alteration is inconclusive. Based on the available evidence, the clinical significance of this variant remains unclear.